The following is an entry in ClinVar:

NM_006415.4(SPTLC1):c.888+5G>T

Gene: SPTLC1 (serine palmitoyltransferase long chain base subunit 1; minus strand). Cytogenetic location: 9q22.31.
Variant type: single nucleotide variant.
Coding change: c.888+5G>T on transcript NM_006415.4 (MANE Select); 5 bases into the intron after coding-DNA position 888, G replaced by T.
Molecular consequence: intron variant.
Genome position (GRCh38, 1-based): chr9:92,049,955, C>A on the plus strand (G>T on the coding strand, the complement: SPTLC1 is on the minus strand). VCF-style: chr9-92049955-C-A. GRCh37 (hg19) VCF-style: chr9-94812237-C-A.
Other names: c.888+5G>T (NM_001281303.2); c.522+5G>T (NM_001368272.1); c.423+5G>T (NM_001368273.1).
Identifiers: ClinVar variation 657032 (VCV000657032.6), dbSNP rs760514210, ClinGen allele CA915947146.

ClinVar aggregate classification (germline): Uncertain significance (1 of 4 stars; one submission).

Conditions:
Hereditary sensory and autonomic neuropathy type 1 (HSAN1). Also called: HSAN 1; HSN Type I; Hereditary Sensory Neuropathy Type I. Identifiers: Orphanet 36386, MedGen C0020071, MONDO:0018213.

gnomAD v4.1: 1 of 1,587,600 alleles (0.000063%); highest among the groups gnomAD compares: Non-Finnish European, 0.000086%; no homozygotes.

Submission:

Labcorp Genetics (formerly Invitae), Labcorp
Classification: Uncertain significance for Hereditary sensory and autonomic neuropathy type 1. Last evaluated: 2022-08-23. Review status: criteria provided, single submitter. Criteria: Invitae Variant Classification Sherloc (09022015). Collection method: clinical testing. Allele origin: germline.
Comment: In summary, the available evidence is currently insufficient to determine the role of this variant in disease. Therefore, it has been classified as a Variant of Uncertain Significance. Variants that disrupt the consensus splice site are a relatively common cause of aberrant splicing (PMID: 17576681, 9536098). Algorithms developed to predict the effect of sequence changes on RNA splicing suggest that this variant may disrupt the consensus splice site. ClinVar contains an entry for this variant (Variation ID: 657032). This variant has not been reported in the literature in individuals affected with SPTLC1-related conditions. This variant is not present in population databases (gnomAD no frequency). This sequence change falls in intron 9 of the SPTLC1 gene. It does not directly change the encoded amino acid sequence of the SPTLC1 protein. It affects a nucleotide within the consensus splice site.

Literature cited by the submitters: PubMed 17576681; PubMed 9536098.